The following is an entry in ClinVar:

ClinVar aggregate classification (germline): Uncertain significance (1 of 4 stars; one submission).

Conditions:
Familial intrahepatic cholestasis. Identifiers: Orphanet 284385, MedGen CN296401, MONDO:0017290.

Submission:

Genomenon, Inc
Classification: Uncertain significance for Familial intrahepatic cholestasis. Last evaluated: 2026-04-14. Review status: criteria provided, single submitter. Criteria: Genomenon Sequence Variant Interpretation Standards - Updated. Collection method: curation. Allele origin: germline. Affected: yes.
Comment: ABCB4 p.Ala1047Pro (c.3139G>C) is a missense variant that changes the amino acid at residue 1047 from Alanine to Proline. This variant has been observed in at least one proband with an ABCB4-related disorder (PMID:33215027). It has been observed in trans with a pathogenic or likely pathogenic variant (PMID:33215027). It is absent or not present at a significant frequency in gnomAD. In silico models predict that this variant is not damaging. In conclusion, we classify ABCB4 p.Ala1047Pro (c.3139G>C) as a variant of uncertain significance.

Literature cited by the submitters: PubMed 33215027.

NM_000443.4(ABCB4):c.3139G>C (p.Ala1047Pro)

Gene: ABCB4 (ATP binding cassette subfamily B member 4; minus strand). Cytogenetic location: 7q21.12.
Variant type: single nucleotide variant.
Coding change: c.3139G>C on transcript NM_000443.4 (MANE Select); coding-DNA position 3139, G replaced by C.
Protein change: p.Ala1047Pro; replaces alanine 1047 with proline.
Molecular consequence: missense variant.
Genome position (GRCh38, 1-based): chr7:87,408,177, C>G on the plus strand (G>C on the coding strand, the complement: ABCB4 is on the minus strand). VCF-style: chr7-87408177-C-G. GRCh37 (hg19) VCF-style: chr7-87037493-C-G.
Other names: c.3139G>C, p.Ala1047Pro (NM_018849.3); c.2998G>C, p.Ala1000Pro (NM_018850.3); short protein forms A1000P, A1047P.
Identifiers: ClinVar variation 4846381 (VCV004846381.1).